The following is an entry in ClinVar:

NM_001330260.2(SCN8A):c.5633C>G (p.Pro1878Arg)

Gene: SCN8A (sodium voltage-gated channel alpha subunit 8; plus strand). Cytogenetic location: 12q13.13.
Variant type: single nucleotide variant.
Coding change: c.5633C>G on transcript NM_001330260.2 (MANE Select); coding-DNA position 5633, C replaced by G.
Protein change: p.Pro1878Arg; replaces proline 1878 with arginine.
Molecular consequence: missense variant.
Genome position (GRCh38, 1-based): chr12:51,807,119, C>G. VCF-style: chr12-51807119-C-G. GRCh37 (hg19) VCF-style: chr12-52200903-C-G.
Other names: c.5510C>G, p.Pro1837Arg (NM_001177984.3, NM_001369788.1); c.5633C>G, p.Pro1878Arg (NM_014191.4); short protein forms P1837R, P1878R.
Identifiers: ClinVar variation 2810214 (VCV002810214.3), dbSNP rs2540335828, ClinGen allele CA384888230.
Genomic context (GRCh38, chr12:51,807,119, plus strand): 5'-ATAGCGGGGAGTTGGACATCCTGCGGCAGCAGATGGAAGAGCGGTTCGTGGCATCCAATC[C>G]TTCCAAAGTGTCTTACGAGCCAATCACAACCACACTGCGTCGCAAGCAGGAGGAGGTATC-3'
Protein context (NP_001317189.1, residues 1868-1888): QMEERFVASN[Pro1878Arg]SKVSYEPITT

ClinVar aggregate classification (germline): Pathogenic (1 of 4 stars; one submission).

Conditions:
Early-infantile DEE. Also called: Early infantile epileptic encephalopathy; Early infantile epileptic encephalopathy with suppression bursts; Ohtahara syndrome. Identifiers: Orphanet 1934, MedGen C0393706, MONDO:0800491.

Submission:

Labcorp Genetics (formerly Invitae), Labcorp
Classification: Pathogenic for Early-infantile DEE. Last evaluated: 2022-11-28. Review status: criteria provided, single submitter. Criteria: Invitae Variant Classification Sherloc (09022015). Collection method: clinical testing. Allele origin: germline.
Comment: This sequence change replaces proline, which is neutral and non-polar, with arginine, which is basic and polar, at codon 1878 of the SCN8A protein (p.Pro1878Arg). This variant is not present in population databases (gnomAD no frequency). This missense change has been observed in individual(s) with the clinical features of SCN8A-related conditions (Invitae). In at least one individual the variant was observed to be de novo. Advanced modeling of protein sequence and biophysical properties (such as structural, functional, and spatial information, amino acid conservation, physicochemical variation, residue mobility, and thermodynamic stability) performed at Invitae indicates that this missense variant is expected to disrupt SCN8A protein function. For these reasons, this variant has been classified as Pathogenic.